The following is an entry in ClinVar:

NM_005006.7(NDUFS1):c.1709-5T>C

Gene: NDUFS1 (NADH:ubiquinone oxidoreductase core subunit S1; minus strand). Cytogenetic location: 2q33.3.
Variant type: single nucleotide variant.
Coding change: c.1709-5T>C on transcript NM_005006.7 (MANE Select); 5 bases into the intron before coding-DNA position 1709, T replaced by C.
Molecular consequence: intron variant.
Genome position (GRCh38, 1-based): chr2:206,127,977, A>G on the plus strand (T>C on the coding strand, the complement: NDUFS1 is on the minus strand). VCF-style: chr2-206127977-A-G. GRCh37 (hg19) VCF-style: chr2-206992701-A-G.
Other names: c.1376-5T>C (NM_001199982.2); c.1538-5T>C (NM_001199983.2); c.1601-5T>C (NM_001199981.2); c.1751-5T>C (NM_001199984.2).
Identifiers: ClinVar variation 3055370 (VCV003055370.2), dbSNP rs1691359252, ClinGen allele CA2496479155.

ClinVar aggregate classification (germline): Likely benign (0 of 4 stars; one submission).

Conditions:
NDUFS1-related disorder. Also called: NDUFS1-related condition.

Allele frequency attached by ClinVar (database versions not stated): gnomAD exomes below 0.00001; TOPMed below 0.00001.
gnomAD v4.1: 1 of 1,614,076 alleles (0.000062%); highest among the groups gnomAD compares: Non-Finnish European, 0.000085%; no homozygotes.

Submission:

PreventionGenetics, part of Exact Sciences
Classification: Likely benign for NDUFS1-related condition. Last evaluated: 2022-03-22. Review status: no assertion criteria provided. Collection method: clinical testing. Allele origin: germline.
Comment: This variant is classified as likely benign based on ACMG/AMP sequence variant interpretation guidelines (Richards et al. 2015 PMID: 25741868, with internal and published modifications).